The following is an entry in ClinVar:

NM_020433.5(JPH2):c.473C>T (p.Pro158Leu)

Gene: JPH2 (junctophilin 2; minus strand). Cytogenetic location: 20q13.12.
Variant type: single nucleotide variant.
Coding change: c.473C>T on transcript NM_020433.5 (MANE Select); coding-DNA position 473, C replaced by T.
Protein change: p.Pro158Leu; replaces proline 158 with leucine.
Molecular consequence: missense variant.
Genome position (GRCh38, 1-based): chr20:44,160,314, G>A on the plus strand (C>T on the coding strand, the complement: JPH2 is on the minus strand). VCF-style: chr20-44160314-G-A. GRCh37 (hg19) VCF-style: chr20-42788954-G-A.
Other names: short protein forms P158L.
Identifiers: ClinVar variation 961003 (VCV000961003.9), dbSNP rs1375422053, ClinGen allele CA409094309.

ClinVar aggregate classification (germline): Uncertain significance (1 of 4 stars; one submission).

Conditions:
Hypertrophic cardiomyopathy. Also called: HYPERTROPHIC MYOCARDIOPATHY. Identifiers: Orphanet 217569, MedGen C0007194, MeSH D002312, MONDO:0005045, HP:0001639.

Submission:

Labcorp Genetics (formerly Invitae), Labcorp
Classification: Uncertain significance for Hypertrophic cardiomyopathy. Last evaluated: 2022-03-09. Review status: criteria provided, single submitter. Criteria: Invitae Variant Classification Sherloc (09022015). Collection method: clinical testing. Allele origin: germline.
Comment: ClinVar contains an entry for this variant (Variation ID: 961003). This variant has not been reported in the literature in individuals affected with JPH2-related conditions. This variant is not present in population databases (gnomAD no frequency). This sequence change replaces proline, which is neutral and non-polar, with leucine, which is neutral and non-polar, at codon 158 of the JPH2 protein (p.Pro158Leu). Algorithms developed to predict the effect of missense changes on protein structure and function are either unavailable or do not agree on the potential impact of this missense change (SIFT: "Tolerated"; PolyPhen-2: "Possibly Damaging"; Align-GVGD: "Class C0"). In summary, the available evidence is currently insufficient to determine the role of this variant in disease. Therefore, it has been classified as a Variant of Uncertain Significance.